The following is an entry in ClinVar:

NM_000038.6(APC):c.2441T>C (p.Phe814Ser)

Gene: APC (APC regulator of Wnt signaling pathway; plus strand). Cytogenetic location: 5q22.2.
Variant type: single nucleotide variant.
Coding change: c.2441T>C on transcript NM_000038.6 (MANE Select); coding-DNA position 2441, T replaced by C.
Protein change: p.Phe814Ser; replaces phenylalanine 814 with serine.
Molecular consequence: missense variant. On other transcripts: non-coding transcript variant (2).
Genome position (GRCh38, 1-based): chr5:112,838,035, T>C. VCF-style: chr5-112838035-T-C. GRCh37 (hg19) VCF-style: chr5-112173732-T-C.
Other names: c.2441T>C, p.Phe814Ser (NM_001127510.3, NM_001354895.2, NM_001407450.1); c.2387T>C, p.Phe796Ser (NM_001127511.3); c.2495T>C, p.Phe832Ser (NM_001354896.2, NM_001407447.1, NM_001407448.1 and 1 more transcripts); c.2471T>C, p.Phe824Ser (NM_001354897.2); c.2366T>C, p.Phe789Ser (NM_001354898.2); c.2357T>C, p.Phe786Ser (NM_001354899.2); c.2318T>C, p.Phe773Ser (NM_001354900.2); c.2264T>C, p.Phe755Ser (NM_001354901.2, NM_001407453.1); and 11 more; short protein forms F531S, F685S, F713S, F842S, F654S, F688S, F789S, F796S.
Identifiers: ClinVar variation 3409689 (VCV003409689.1).

ClinVar aggregate classification (germline): Uncertain significance (1 of 4 stars; one submission).

Conditions:
Hereditary cancer-predisposing syndrome. Also called: Neoplastic Syndromes, Hereditary; Tumor predisposition; Hereditary Cancer Syndrome; Hereditary neoplastic syndrome. Identifiers: Orphanet 140162, MedGen C0027672, MeSH D009386, MONDO:0015356.

gnomAD v4.1: 2 of 1,614,148 alleles (0.00012%); highest among the groups gnomAD compares: Non-Finnish European, 0.00017%; no homozygotes.

Submission:

Ambry Genetics
Classification: Uncertain significance for Hereditary cancer-predisposing syndrome. Last evaluated: 2024-08-05. Review status: criteria provided, single submitter. Criteria: Ambry Variant Classification Scheme 2023. Collection method: clinical testing. Allele origin: germline.
Comment: The p.F814S variant (also known as c.2441T>C), located in coding exon 15 of the APC gene, results from a T to C substitution at nucleotide position 2441. The phenylalanine at codon 814 is replaced by serine, an amino acid with highly dissimilar properties. This amino acid position is well conserved in available vertebrate species. In addition, in silico predictors for this gene do not accurately predict pathogenicity. Missense alterations in APC are not a common cause of disease (Spier I et al. Genet Med. 2024 Feb;26(2):100992). Based on the available evidence, the clinical significance of this variant remains unclear.